The following is an entry in ClinVar:

NM_002334.4(LRP4):c.5132A>G (p.Asn1711Ser)

Genes: LRP4 (LDL receptor related protein 4; minus strand), LRP4-AS1 (LRP4 antisense RNA 1; plus strand). Cytogenetic location: 11p11.2.
Variant type: single nucleotide variant.
Coding change: c.5132A>G on transcript NM_002334.4 (MANE Select); coding-DNA position 5132, A replaced by G.
Protein change: p.Asn1711Ser; replaces asparagine 1711 with serine.
Molecular consequence: missense variant.
Genome position (GRCh38, 1-based): chr11:46,865,142, T>C on the plus strand (A>G on the coding strand, the complement: LRP4 is on the minus strand). VCF-style: chr11-46865142-T-C. GRCh37 (hg19) VCF-style: chr11-46886693-T-C.
Other names: short protein forms N1711S.
Identifiers: ClinVar variation 1392597 (VCV001392597.8), dbSNP rs774058346, ClinGen allele CA221623387.

ClinVar aggregate classification (germline): Uncertain significance. Review status: criteria provided, multiple submitters, no conflicts (2 of 4 stars). 2 submissions from 2 submitters: Uncertain significance (2). Last evaluated 2023-08-17.

Conditions:
Congenital myasthenic syndrome 17. Identifiers: Orphanet 590, MedGen C4225377, MONDO:0014578, OMIM 616304.
Cenani-Lenz syndactyly syndrome. Also called: CENANI SYNDACTYLISM; SYNDACTYLY, TYPE VII. Identifiers: Orphanet 3258, MedGen C1859309, MONDO:0008931, OMIM 212780.
Sclerosteosis 2 (SOST2). Identifiers: Orphanet 3152, MedGen C3280402, MONDO:0013679, OMIM 614305.

Allele frequency attached by ClinVar (database versions not stated): TOPMed below 0.00001; gnomAD exomes 0.00001 and 0.00003; gnomAD 0.00002.
gnomAD v4.1: 43 of 1,563,044 alleles (0.0028%); highest among the groups gnomAD compares: Non-Finnish European, 0.0035%; no homozygotes.

Submissions (2):

Labcorp Genetics (formerly Invitae), Labcorp
Classification: Uncertain significance for Cenani-Lenz syndactyly syndrome; Sclerosteosis 2; Congenital myasthenic syndrome 17. Last evaluated: 2023-08-17. Review status: criteria provided, single submitter. Criteria: Invitae Variant Classification Sherloc (09022015). Collection method: clinical testing. Allele origin: germline.
Comment: In summary, the available evidence is currently insufficient to determine the role of this variant in disease. Therefore, it has been classified as a Variant of Uncertain Significance. An algorithm developed to predict the effect of missense changes on protein structure and function (PolyPhen-2) suggests that this variant¬¨‚Ä†is likely to be tolerated. ClinVar contains an entry for this variant (Variation ID: 1392597). This variant has not been reported in the literature in individuals affected with LRP4-related conditions. The frequency data for this variant in the population databases is considered unreliable, as metrics indicate poor data quality at this position in the gnomAD database. This sequence change replaces asparagine, which is neutral and polar, with serine, which is neutral and polar, at codon 1711 of the LRP4 protein (p.Asn1711Ser).

Fulgent Genetics
Classification: Uncertain significance for Cenani-Lenz syndactyly syndrome; Sclerosteosis 2; Congenital myasthenic syndrome 17. Last evaluated: 2021-11-28. Review status: criteria provided, single submitter. Criteria: ACMG Guidelines, 2015. Collection method: clinical testing. Allele origin: unknown.